The following is an entry in ClinVar:

ClinVar aggregate classification (germline): Uncertain significance (1 of 4 stars; one submission).

Allele frequency attached by ClinVar (database versions not stated): gnomAD 0.00001.
gnomAD v4.1: 1 of 1,592,430 alleles (0.000063%); no homozygotes.

Submission:

GeneDx
Classification: Uncertain significance. Last evaluated: 2019-04-16. Review status: criteria provided, single submitter. Criteria: GeneDx Variant Classification Process June 2021. Collection method: clinical testing. Allele origin: germline. Affected: yes.
Comment: Not observed in large population cohorts (Lek et al., 2016); In silico analysis, which includes protein predictors and evolutionary conservation, supports a deleterious effect; Has not been previously published as pathogenic or benign to our knowledge

NM_001127222.2(CACNA1A):c.1643C>G (p.Ser548Cys)

Gene: CACNA1A (calcium voltage-gated channel subunit alpha1 A; minus strand). Cytogenetic location: 19p13.13.
Variant type: single nucleotide variant.
Coding change: c.1643C>G on transcript NM_001127222.2 (MANE Select); coding-DNA position 1643, C replaced by G.
Protein change: p.Ser548Cys; replaces serine 548 with cysteine.
Molecular consequence: missense variant.
Genome position (GRCh38, 1-based): chr19:13,312,694, G>C on the plus strand (C>G on the coding strand, the complement: CACNA1A is on the minus strand). VCF-style: chr19-13312694-G-C. GRCh37 (hg19) VCF-style: chr19-13423508-G-C.
Other names: c.1646C>G, p.Ser549Cys (NM_000068.4, NM_001127221.2, NM_001174080.2 and 1 more transcripts); short protein forms S548C, S549C.
Identifiers: ClinVar variation 1305046 (VCV001305046.2), dbSNP rs2058057381, ClinGen allele CA404345333.
Genomic context (GRCh38, chr19:13,312,694, plus strand): 5'-TGGAGAAATGAACTCTTAGAAACAAGAGCACTTACCCCACAGTCAAAGCAGTTGAAGGAA[G>C]AGTGGAAGTAAGGCCGCGTCCCAAGCCCGTACATTTTTATAAACATTTCGGACATAAAGA-3'
Protein context (NP_001120694.1, residues 538-558): YGLGTRPYFH[Ser548Cys]SFNCFDCGVI